The following is an entry in ClinVar:

NM_001267550.2(TTN):c.36281-7T>G

Gene: TTN (titin; minus strand). Cytogenetic location: 2q31.2.
Variant type: single nucleotide variant.
Coding change: c.36281-7T>G on transcript NM_001267550.2 (MANE Select); 7 bases into the intron before coding-DNA position 36281, T replaced by G.
Molecular consequence: intron variant.
Genome position (GRCh38, 1-based): chr2:178,664,105, A>C on the plus strand (T>G on the coding strand, the complement: TTN is on the minus strand). VCF-style: chr2-178664105-A-C. GRCh37 (hg19) VCF-style: chr2-179528832-A-C.
Other names: c.13283-21788T>G (NM_003319.4); c.13859-21788T>G (NM_133437.4); c.13658-21788T>G (NM_133432.3); c.31484-1050T>G (NM_133378.4); c.34265-1050T>G (NM_001256850.1).
Identifiers: ClinVar variation 2582533 (VCV002582533.2), dbSNP rs185722301, ClinGen allele CA60974307.
Genomic context (GRCh38, chr2:178,664,105, plus strand): 5'-GAGGCACCACCGACACTTTCTTTTCAGGGATAATCTCTTTGGGAGCTTCGTGCACTTGAA[A>C]GATATTAGTATTTTTACACTCAGAAAATACAGAGATTACTAGATAGATACAAAGACATTT-3'

ClinVar aggregate classification (germline): Uncertain significance. Review status: criteria provided, multiple submitters, no conflicts (2 of 4 stars). 2 submissions from 2 submitters: Uncertain significance (2). Last evaluated 2023-08-18.

Conditions:
Early-onset myopathy with fatal cardiomyopathy (CMYO5). Also called: CONGENITAL MYOPATHY 5 WITH CARDIOMYOPATHY; Salih Myopathy. Identifiers: Orphanet 289377, MedGen C2673677, MONDO:0012714, OMIM 611705. Disease mechanism: loss of function.

gnomAD v4.1: 17 of 1,604,234 alleles (0.0011%); highest among the groups gnomAD compares: African/African-American, 0.022%; no homozygotes.

Submissions (2):

GeneDx
Classification: Uncertain significance. Last evaluated: 2023-08-18. Review status: criteria provided, single submitter. Criteria: GeneDx Variant Classification Process June 2021. Collection method: clinical testing. Allele origin: germline. Affected: yes.
Comment: Not observed at significant frequency in large population cohorts (gnomAD); Has not been previously published as pathogenic or benign to our knowledge; In silico analysis is inconclusive as to whether the variant alters gene splicing. In the absence of RNA/functional studies, the actual effect of this sequence change is unknown.

Baylor Genetics
Classification: Uncertain significance for Early-onset myopathy with fatal cardiomyopathy. Last evaluated: 2023-03-22. Review status: criteria provided, single submitter. Criteria: ACMG Guidelines, 2015. Collection method: clinical testing. Allele origin: unknown.